The following is an entry in ClinVar:

ClinVar aggregate classification (germline): Uncertain significance (1 of 4 stars; one submission).

Submission:

GeneDx
Classification: Uncertain significance. Last evaluated: 2024-02-06. Review status: criteria provided, single submitter. Criteria: GeneDx Variant Classification Process June 2021. Collection method: clinical testing. Allele origin: germline. Affected: yes.
Comment: Not observed in large population cohorts (gnomAD); In silico analysis supports that this missense variant has a deleterious effect on protein structure/function; Has not been previously published as pathogenic or benign to our knowledge

NM_002578.5(PAK3):c.1408G>A (p.Ala470Thr)

Gene: PAK3 (p21 (RAC1) activated kinase 3; plus strand). Cytogenetic location: Xq23.
Variant type: single nucleotide variant.
Coding change: c.1408G>A on transcript NM_002578.5 (MANE Select); coding-DNA position 1408, G replaced by A.
Protein change: p.Ala470Thr; replaces alanine 470 with threonine.
Molecular consequence: missense variant. On other transcripts: non-coding transcript variant (2).
Genome position (GRCh38, 1-based): chrX:111,216,421, G>A. VCF-style: chrX-111216421-G-A. GRCh37 (hg19) VCF-style: chrX-110459649-G-A.
Other names: c.1408G>A, p.Ala470Thr (NM_001128166.3, NM_001128167.3, NM_001324325.2 and 5 more transcripts); c.1516G>A, p.Ala506Thr (NM_001128168.3); c.1471G>A, p.Ala491Thr (NM_001128172.2); c.1453G>A, p.Ala485Thr (NM_001128173.3, NM_001324327.2, NM_001324328.2 and 2 more transcripts); short protein forms A470T, A485T, A491T, A506T.
Identifiers: ClinVar variation 3253268 (VCV003253268.1), dbSNP rs2524488230.